The following is an entry in ClinVar:

ClinVar aggregate classification (germline): Uncertain significance (1 of 4 stars; one submission).

Allele frequency attached by ClinVar (database versions not stated): TOPMed 0.00001.

Submission:

Labcorp Genetics (formerly Invitae), Labcorp
Classification: Uncertain significance. Last evaluated: 2024-06-24. Review status: criteria provided, single submitter. Criteria: Invitae Variant Classification Sherloc (09022015). Collection method: clinical testing. Allele origin: germline.
Comment: This sequence change replaces aspartic acid, which is acidic and polar, with asparagine, which is neutral and polar, at codon 532 of the CFB protein (p.Asp532Asn). This variant is not present in population databases (gnomAD no frequency). This variant has not been reported in the literature in individuals affected with CFB-related conditions. ClinVar contains an entry for this variant (Variation ID: 1912672). Advanced modeling of protein sequence and biophysical properties (such as structural, functional, and spatial information, amino acid conservation, physicochemical variation, residue mobility, and thermodynamic stability) performed at Invitae indicates that this missense variant is not expected to disrupt CFB protein function with a negative predictive value of 80%. In summary, the available evidence is currently insufficient to determine the role of this variant in disease. Therefore, it has been classified as a Variant of Uncertain Significance.

NM_001710.6(CFB):c.1594G>A (p.Asp532Asn)

Gene: CFB (complement factor B; plus strand). Cytogenetic location: 6p21.33.
Variant type: single nucleotide variant.
Coding change: c.1594G>A on transcript NM_001710.6 (MANE Select); coding-DNA position 1594, G replaced by A.
Protein change: p.Asp532Asn; replaces aspartic acid 532 with asparagine.
Molecular consequence: missense variant.
Genome position (GRCh38, 1-based): chr6:31,950,373, G>A. VCF-style: chr6-31950373-G-A. GRCh37 (hg19) VCF-style: chr6-31918150-G-A.
Other names: short protein forms D532N.
Identifiers: ClinVar variation 1912672 (VCV001912672.5), dbSNP rs1771680306, ClinGen allele CA363408175.